The following is an entry in ClinVar:

ClinVar aggregate classification (germline): Benign. Review status: reviewed by expert panel (3 of 4 stars). 16 submissions from 15 submitters: Benign (1). 15 of the submissions do not count toward it. Last evaluated 2017-04-18.

Conditions:
Noonan syndrome and Noonan-related syndrome. Identifiers: Orphanet 98733, MedGen C5681679, MONDO:0020297.
Cardiovascular phenotype. Identifiers: MedGen CN230736.
RASopathy. Also called: rasopathies; Noonan spectrum disorder. Identifiers: Orphanet 536391, MedGen C5555857, MONDO:0021060.
LEOPARD syndrome 2 (LPRD2). Also called: RAF1-Related LEOPARD Syndrome. Identifiers: Orphanet 500, MedGen C1969056, MONDO:0012691, OMIM 611554.
Noonan syndrome 5 (NS5). Also called: RAF1-Related Noonan Syndrome. Identifiers: Orphanet 648, MedGen C1969057, MONDO:0012690, OMIM 611553. Disease mechanism: gain of function.

Allele frequency attached by ClinVar (database versions not stated): gnomAD exomes 0.00679 and 0.00986; gnomAD 0.00703 and 0.00729; 1000 Genomes Project 0.00439; ExAC 0.00708; ESP Exome Variant Server 0.00830; 1000 Genomes Project 30x 0.00468; TOPMed 0.00652.
gnomAD v4.1: 15,356 of 1,614,198 alleles (0.95%); highest among the groups gnomAD compares: Non-Finnish European, 1.1%; 89 homozygotes.

Submissions (16):

ClinGen RASopathy Variant Curation Expert Panel
Classification: Benign for Noonan syndrome and Noonan-related syndrome. Last evaluated: 2017-04-18. Review status: reviewed by expert panel. Criteria: ClinGen RASopathy ACMG Specifications v1. Collection method: curation. Allele origin: germline. Inheritance: Autosomal dominant inheritance.
Comment: The filtering allele frequency of the c.1941C>T (p.Val647=) variant in the RAF1 gene is 1.04% (738/66732) of European chromosomes by the Exome Aggregation Consortium, which is a high enough frequency to be classified as benign based on thresholds defined by the ClinGen RASopathy Expert Panel (BA1; PMID:29493581)

CeGaT Center for Human Genetics Tuebingen
Classification: Benign. Last evaluated: 2026-08-01. Review status: criteria provided, single submitter. Criteria: CeGaT Center For Human Genetics Tuebingen Variant Classification Criteria Version 2. Collection method: clinical testing. Allele origin: germline. Affected: yes. Observed: 44 variant alleles. Not counted in ClinVar's aggregate classification.
Comment: RAF1: BP4, BS1, BS2

Labcorp Genetics (formerly Invitae), Labcorp
Classification: Benign for RASopathy. Last evaluated: 2026-02-04. Review status: criteria provided, single submitter. Criteria: Invitae Variant Classification Sherloc (09022015). Collection method: clinical testing. Allele origin: germline. Not counted in ClinVar's aggregate classification.

ARUP Laboratories, Molecular Genetics and Genomics, ARUP Laboratories
Classification: Benign. Last evaluated: 2025-04-28. Review status: criteria provided, single submitter. Criteria: ARUP Molecular Germline Variant Investigation Process 2024. Collection method: clinical testing. Allele origin: germline. Not counted in ClinVar's aggregate classification.

Molecular Diagnostic Laboratory for Inherited Cardiovascular Disease, Montreal Heart Institute
Classification: Benign. Last evaluated: 2025-04-09. Review status: criteria provided, single submitter. Criteria: ACMG Guidelines, 2015. Collection method: clinical testing. Allele origin: germline. Affected: no. Not counted in ClinVar's aggregate classification.

Blueprint Genetics
Classification: Likely benign. Last evaluated: 2024-11-26. Review status: criteria provided, single submitter. Criteria: ACMG Guidelines, 2015. Collection method: clinical testing. Allele origin: germline. Not counted in ClinVar's aggregate classification.

Genome Diagnostics Laboratory, The Hospital for Sick Children
Classification: Benign for Noonan syndrome and Noonan-related syndrome. Last evaluated: 2021-07-08. Review status: criteria provided, single submitter. Criteria: ACMG Guidelines, 2015. Collection method: clinical testing. Allele origin: germline. Not counted in ClinVar's aggregate classification.

Illumina Laboratory Services, Illumina
Classification: Likely benign for Noonan syndrome 5. Last evaluated: 2018-01-12. Review status: criteria provided, single submitter. Criteria: ICSL Variant Classification Criteria 13 December 2019. Collection method: clinical testing. Allele origin: germline. Not counted in ClinVar's aggregate classification.
Comment: This variant was observed in the ICSL laboratory as part of a predisposition screen in an ostensibly healthy population. It had not been previously curated by ICSL or reported in the Human Gene Mutation Database (HGMD: prior to June 1st, 2018), and was therefore a candidate for classification through an automated scoring system. Utilizing variant allele frequency, disease prevalence and penetrance estimates, and inheritance mode, an automated score was calculated to assess if this variant is too frequent to cause the disease. Based on the score and internal cut-off values, a variant classified as likely benign is not then subjected to further curation. The score for this variant resulted in a classification of likely benign for this disease.

Illumina Laboratory Services, Illumina
Classification: Benign for LEOPARD syndrome 2. Last evaluated: 2018-01-12. Review status: criteria provided, single submitter. Criteria: ICSL Variant Classification Criteria 13 December 2019. Collection method: clinical testing. Allele origin: germline. Not counted in ClinVar's aggregate classification.
Comment: This variant was observed in the ICSL laboratory as part of a predisposition screen in an ostensibly healthy population. It had not been previously curated by ICSL or reported in the Human Gene Mutation Database (HGMD: prior to June 1st, 2018), and was therefore a candidate for classification through an automated scoring system. Utilizing variant allele frequency, disease prevalence and penetrance estimates, and inheritance mode, an automated score was calculated to assess if this variant is too frequent to cause the disease. Based on the score and internal cut-off values, a variant classified as benign is not then subjected to further curation. The score for this variant resulted in a classification of benign for this disease.

Mayo Clinic Laboratories, Mayo Clinic
Classification: Benign. Last evaluated: 2015-09-02. Review status: criteria provided, single submitter. Criteria: ACMG Guidelines, 2015. Collection method: clinical testing. Allele origin: germline. Observed: 31 variant alleles. Not counted in ClinVar's aggregate classification.

Ambry Genetics
Classification: Benign for Cardiovascular phenotype. Last evaluated: 2014-12-08. Review status: criteria provided, single submitter. Criteria: Ambry Variant Classification Scheme 2023. Collection method: clinical testing. Allele origin: germline. Not counted in ClinVar's aggregate classification.

GeneDx
Classification: Benign. Last evaluated: 2012-01-12. Review status: criteria provided, single submitter. Criteria: GeneDx Variant Classification (06012015). Collection method: clinical testing. Allele origin: germline. Affected: yes. Not counted in ClinVar's aggregate classification.
Comment: This variant is considered likely benign or benign based on one or more of the following criteria: it is a conservative change, it occurs at a poorly conserved position in the protein, it is predicted to be benign by multiple in silico algorithms, and/or has population frequency not consistent with disease.

Laboratory for Molecular Medicine, Mass General Brigham Personalized Medicine
Classification: Benign. Last evaluated: 2009-05-11. Review status: criteria provided, single submitter. Criteria: LMM Criteria. Collection method: clinical testing. Allele origin: germline. Observed: 68 variant alleles. Not counted in ClinVar's aggregate classification.

Breakthrough Genomics
Classification: Benign. Review status: criteria provided, single submitter. Criteria: ACMG Guidelines, 2015. Collection method: not provided. Allele origin: germline. Inheritance: Autosomal dominant inheritance. Affected: yes. Not counted in ClinVar's aggregate classification.

PreventionGenetics, part of Exact Sciences
Classification: Benign. Review status: criteria provided, single submitter. Criteria: ACMG Guidelines, 2015. Collection method: clinical testing. Allele origin: germline. Not counted in ClinVar's aggregate classification.

Baylor Genetics
Classification: Benign for Rasopathy. Review status: no assertion criteria provided. Collection method: clinical testing. Allele origin: unknown. Affected: yes. Not counted in ClinVar's aggregate classification.
Comment: Variant classified using ACMG guidelines

NM_002880.4(RAF1):c.1941C>T (p.Val647=)

Gene: RAF1 (Raf-1 proto-oncogene, serine/threonine kinase; minus strand). Cytogenetic location: 3p25.2.
Variant type: single nucleotide variant.
Coding change: c.1941C>T on transcript NM_002880.4 (MANE Select); coding-DNA position 1941, C replaced by T.
Protein change: p.Val647=; no amino-acid change (valine 647 retained).
Molecular consequence: synonymous variant. On other transcripts: non-coding transcript variant (3).
Genome position (GRCh38, 1-based): chr3:12,584,520, G>A on the plus strand (C>T on the coding strand, the complement: RAF1 is on the minus strand). VCF-style: chr3-12584520-G-A. GRCh37 (hg19) VCF-style: chr3-12626019-G-A.
Other names: p.V647V:GTC>GTT; NM_002880.3(RAF1):c.1941C>T; c.2001C>T, p.Val667= (NM_001354689.3); c.1941C>T, p.Val647= (NM_001354690.3); c.1698C>T, p.Val566= (NM_001354691.3, NM_001354692.3); c.1842C>T, p.Val614= (NM_001354693.3); c.1758C>T, p.Val586= (NM_001354694.3); c.1599C>T, p.Val533= (NM_001354695.3).
Identifiers: ClinVar variation 44623 (VCV000044623.68), dbSNP rs3730297, ClinGen allele CA134718.